The following is an entry in ClinVar:

NM_003072.5(SMARCA4):c.1034T>C (p.Leu345Pro)

Gene: SMARCA4 (SWI/SNF related BAF chromatin remodeling complex subunit ATPase 4; plus strand). Cytogenetic location: 19p13.2.
Variant type: single nucleotide variant.
Coding change: c.1034T>C on transcript NM_003072.5 (MANE Select); coding-DNA position 1034, T replaced by C.
Protein change: p.Leu345Pro; replaces leucine 345 with proline.
Molecular consequence: missense variant. On other transcripts: non-coding transcript variant (1).
Genome position (GRCh38, 1-based): chr19:10,987,840, T>C. VCF-style: chr19-10987840-T-C. GRCh37 (hg19) VCF-style: chr19-11098516-T-C.
Other names: c.1034T>C, p.Leu345Pro (NM_001128844.3, NM_001128845.2, NM_001128846.2 and 5 more transcripts); short protein forms L345P.
Identifiers: ClinVar variation 639901 (VCV000639901.8), dbSNP rs1599970814, ClinGen allele CA404058673.

ClinVar aggregate classification (germline): Uncertain significance (1 of 4 stars; one submission).

Conditions:
Rhabdoid tumor predisposition syndrome 2 (RTPS2). Identifiers: Orphanet 231108, Orphanet 69077, MedGen C2750074, MONDO:0013224, OMIM 613325.

Allele frequency attached by ClinVar (database versions not stated): gnomAD exomes below 0.00001.
gnomAD v4.1: 2 of 1,610,914 alleles (0.00012%); highest among the groups gnomAD compares: Non-Finnish European, 0.00017%; no homozygotes.

Submission:

Labcorp Genetics (formerly Invitae), Labcorp
Classification: Uncertain significance for Rhabdoid tumor predisposition syndrome 2. Last evaluated: 2023-08-17. Review status: criteria provided, single submitter. Criteria: Invitae Variant Classification Sherloc (09022015). Collection method: clinical testing. Allele origin: germline.
Comment: In summary, the available evidence is currently insufficient to determine the role of this variant in disease. Therefore, it has been classified as a Variant of Uncertain Significance. Advanced modeling of protein sequence and biophysical properties (such as structural, functional, and spatial information, amino acid conservation, physicochemical variation, residue mobility, and thermodynamic stability) performed at Invitae indicates that this missense variant is not expected to disrupt SMARCA4 protein function. ClinVar contains an entry for this variant (Variation ID: 639901). This variant has not been reported in the literature in individuals affected with SMARCA4-related conditions. This variant is not present in population databases (gnomAD no frequency). This sequence change replaces leucine, which is neutral and non-polar, with proline, which is neutral and non-polar, at codon 345 of the SMARCA4 protein (p.Leu345Pro).